The following is an entry in ClinVar:

NM_001042492.3(NF1):c.6253A>G (p.Met2085Val)

Gene: NF1 (neurofibromin 1; plus strand). Cytogenetic location: 17q11.2.
Variant type: single nucleotide variant.
Coding change: c.6253A>G on transcript NM_001042492.3 (MANE Select); coding-DNA position 6253, A replaced by G.
Protein change: p.Met2085Val; replaces methionine 2085 with valine.
Molecular consequence: missense variant.
Genome position (GRCh38, 1-based): chr17:31,336,740, A>G. VCF-style: chr17-31336740-A-G. GRCh37 (hg19) VCF-style: chr17-29663758-A-G.
Other names: c.6190A>G, p.Met2064Val (NM_000267.4); short protein forms M2064V, M2085V.
Identifiers: ClinVar variation 4800787 (VCV004800787.1).

ClinVar aggregate classification (germline): Uncertain significance (1 of 4 stars; one submission).

Conditions:
Neurofibromatosis, type 1 (NF1). Also called: VON RECKLINGHAUSEN DISEASE; Neurofibromatosis, type I; NEUROFIBROMATOSIS, TYPE I, SOMATIC; Peripheral type neurofibromatosis. Identifiers: Orphanet 636, MedGen C0027831, MONDO:0018975, OMIM 162200. Disease mechanism: loss of function.

Submission:

Labcorp Genetics (formerly Invitae), Labcorp
Classification: Uncertain significance for Neurofibromatosis, type 1. Last evaluated: 2025-02-12. Review status: criteria provided, single submitter. Criteria: Invitae Variant Classification Sherloc (09022015). Collection method: clinical testing. Allele origin: germline.
Comment: This sequence change replaces methionine, which is neutral and non-polar, with valine, which is neutral and non-polar, at codon 2064 of the NF1 protein (p.Met2064Val). This variant is not present in population databases (gnomAD no frequency). This variant has not been reported in the literature in individuals affected with NF1-related conditions. Invitae Evidence Modeling of protein sequence and biophysical properties (such as structural, functional, and spatial information, amino acid conservation, physicochemical variation, residue mobility, and thermodynamic stability) has been performed for this missense variant. However, the output from this modeling did not meet the statistical confidence thresholds required to predict the impact of this variant on NF1 protein function. In summary, the available evidence is currently insufficient to determine the role of this variant in disease. Therefore, it has been classified as a Variant of Uncertain Significance.